The following is an entry in ClinVar:

NM_000465.4(BARD1):c.364+14C>T

Gene: BARD1 (BRCA1 associated RING domain 1; minus strand). Cytogenetic location: 2q35.
Variant type: single nucleotide variant.
Coding change: c.364+14C>T on transcript NM_000465.4 (MANE Select); 14 bases into the intron after coding-DNA position 364, C replaced by T.
Molecular consequence: intron variant.
Genome position (GRCh38, 1-based): chr2:214,792,283, G>A on the plus strand (C>T on the coding strand, the complement: BARD1 is on the minus strand). VCF-style: chr2-214792283-G-A. GRCh37 (hg19) VCF-style: chr2-215657007-G-A.
Other names: c.364+14C>T (LRG_297t1, NM_001282549.2); c.158+17129C>T (NM_001282548.2); c.307+14C>T (NM_001282543.2); c.215+4778C>T (NM_001282545.2).
Identifiers: ClinVar variation 384052 (VCV000384052.1), dbSNP rs1057521833, ClinGen allele CA16604106.

ClinVar aggregate classification (germline): Likely benign (1 of 4 stars; one submission).

gnomAD v4.1: 1 of 1,612,234 alleles (0.000062%); highest among the groups gnomAD compares: East Asian, 0.0022%; no homozygotes.

Submission:

GeneDx
Classification: Likely benign. Last evaluated: 2016-02-19. Review status: criteria provided, single submitter. Criteria: GeneDx Variant Classification (06012015). Collection method: clinical testing. Allele origin: germline. Affected: yes.
Comment: This variant is considered likely benign or benign based on one or more of the following criteria: it is a conservative change, it occurs at a poorly conserved position in the protein, it is predicted to be benign by multiple in silico algorithms, and/or has population frequency not consistent with disease.